The following is an entry in ClinVar:

NM_014476.6(PDLIM3):c.774A>T (p.Gly258=)

Gene: PDLIM3 (PDZ and LIM domain 3; minus strand). Cytogenetic location: 4q35.1.
Variant type: single nucleotide variant.
Coding change: c.774A>T on transcript NM_014476.6 (MANE Select); coding-DNA position 774, A replaced by T.
Protein change: p.Gly258=; no amino-acid change (glycine 258 retained).
Molecular consequence: synonymous variant. On other transcripts: non-coding transcript variant (1).
Genome position (GRCh38, 1-based): chr4:185,506,541, T>A on the plus strand (A>T on the coding strand, the complement: PDLIM3 is on the minus strand). VCF-style: chr4-185506541-T-A. GRCh37 (hg19) VCF-style: chr4-186427695-T-A.
Other names: c.630A>T, p.Gly210= (NM_001114107.5); c.510A>T, p.Gly170= (NM_001257962.2); c.273A>T, p.Gly91= (NM_001257963.2).
Identifiers: ClinVar variation 1760434 (VCV001760434.3), dbSNP rs370141697, ClinGen allele CA3159704.
Genomic context (GRCh38, chr4:185,506,541, plus strand): 5'-CCTCTATCAATACGTTTCAGCAGGTGTCAGCGGCTGCTCACCAGAGCCATCGTCCACCAT[T>A]CCCTGGAGCACTCTGAAGGAGCCCGACTGGCGAGGCTGTGTGGGCTCATTCCGATTGTCG-3'
Protein context (NP_055291.2, residues 248-268): RQSGSFRVLQ[Gly258=]MVDDGSDDRP

ClinVar aggregate classification (germline): Conflicting classifications of pathogenicity. Review status: criteria provided, conflicting classifications (1 of 4 stars). 2 submissions from 2 submitters: Uncertain significance (1); Likely benign (1). Last evaluated 2025-11-25.

Conditions:
Hypertrophic cardiomyopathy. Also called: HYPERTROPHIC MYOCARDIOPATHY. Identifiers: Orphanet 217569, MedGen C0007194, MeSH D002312, MONDO:0005045, HP:0001639.
Primary dilated cardiomyopathy (DCM). Also called: Dilated Cardiomyopathy. Identifiers: Orphanet 217604, MedGen C0007193, MeSH D002311, MONDO:0005021, HP:0001644. Inheritance: Various modes of inheritance.

Allele frequency attached by ClinVar (database versions not stated): TOPMed below 0.00001; gnomAD 0.00001; ExAC 0.00002; gnomAD exomes 0.00004; ESP Exome Variant Server 0.00008.
gnomAD v4.1: 52 of 1,613,574 alleles (0.0032%); highest among the groups gnomAD compares: Non-Finnish European, 0.0043%; no homozygotes.

Submissions (2):

Labcorp Genetics (formerly Invitae), Labcorp
Classification: Uncertain significance for Hypertrophic cardiomyopathy; Primary dilated cardiomyopathy. Last evaluated: 2025-11-25. Review status: criteria provided, single submitter. Criteria: Invitae Variant Classification Sherloc (09022015). Collection method: clinical testing. Allele origin: germline.
Comment: This sequence change affects codon 258 of the PDLIM3 mRNA. It is a 'silent' change, meaning that it does not change the encoded amino acid sequence of the PDLIM3 protein. This variant is present in population databases (rs370141697, gnomAD 0.004%). This variant has not been reported in the literature in individuals affected with PDLIM3-related conditions. ClinVar contains an entry for this variant (Variation ID: 1760434). Algorithms developed to predict the effect of sequence changes on RNA splicing suggest that this variant may create or strengthen a splice site. In summary, the available evidence is currently insufficient to determine the role of this variant in disease. Therefore, it has been classified as a Variant of Uncertain Significance.

Ambry Genetics
Classification: Likely benign. Last evaluated: 2020-12-23. Review status: criteria provided, single submitter. Criteria: Ambry Variant Classification Scheme 2023. Collection method: clinical testing. Allele origin: germline.